The following is an entry in ClinVar:

NM_000038.6(APC):c.6721T>A (p.Ser2241Thr)

Gene: APC (APC regulator of Wnt signaling pathway; plus strand). Cytogenetic location: 5q22.2.
Variant type: single nucleotide variant.
Coding change: c.6721T>A on transcript NM_000038.6 (MANE Select); coding-DNA position 6721, T replaced by A.
Protein change: p.Ser2241Thr; replaces serine 2241 with threonine.
Molecular consequence: missense variant.
Genome position (GRCh38, 1-based): chr5:112,842,315, T>A. VCF-style: chr5-112842315-T-A. GRCh37 (hg19) VCF-style: chr5-112178012-T-A.
Other names: c.6721T>A, p.Ser2241Thr (NM_001127510.3, NM_001354895.2); c.6667T>A, p.Ser2223Thr (NM_001127511.3); c.6775T>A, p.Ser2259Thr (NM_001354896.2); c.6751T>A, p.Ser2251Thr (NM_001354897.2); c.6646T>A, p.Ser2216Thr (NM_001354898.2); c.6637T>A, p.Ser2213Thr (NM_001354899.2); c.6598T>A, p.Ser2200Thr (NM_001354900.2); c.6544T>A, p.Ser2182Thr (NM_001354901.2); and 5 more; short protein forms S2216T, S2115T, S2182T, S2200T, S1958T, S2081T, S2140T, S2150T.
Identifiers: ClinVar variation 826578 (VCV000826578.4), dbSNP rs1580673880, ClinGen allele CA16036019.

ClinVar aggregate classification (germline): Uncertain significance (1 of 4 stars; one submission).

Conditions:
Hereditary cancer-predisposing syndrome. Also called: Neoplastic Syndromes, Hereditary; Tumor predisposition; Hereditary neoplastic syndrome; Hereditary Cancer Syndrome. Identifiers: Orphanet 140162, MedGen C0027672, MeSH D009386, MONDO:0015356.

Submission:

Ambry Genetics
Classification: Uncertain significance for Hereditary cancer-predisposing syndrome. Last evaluated: 2019-09-20. Review status: criteria provided, single submitter. Criteria: Ambry Variant Classification Scheme 2023. Collection method: clinical testing. Allele origin: germline.
Comment: The p.S2241T variant (also known as c.6721T>A), located in coding exon 15 of the APC gene, results from a T to A substitution at nucleotide position 6721. The serine at codon 2241 is replaced by threonine, an amino acid with similar properties. This amino acid position is well conserved in available vertebrate species. In addition, in silico predictors for this gene do not accurately predict pathogenicity. Since supporting evidence is limited at this time, the clinical significance of this alteration remains unclear.